The following is an entry in ClinVar:

NM_000079.4(CHRNA1):c.431T>C (p.Phe144Ser)

Gene: CHRNA1 (cholinergic receptor nicotinic alpha 1 subunit; minus strand). Cytogenetic location: 2q31.1.
Variant type: single nucleotide variant.
Coding change: c.431T>C on transcript NM_000079.4 (MANE Select); coding-DNA position 431, T replaced by C.
Protein change: p.Phe144Ser; replaces phenylalanine 144 with serine.
Molecular consequence: missense variant.
Genome position (GRCh38, 1-based): chr2:174,754,328, A>G on the plus strand (T>C on the coding strand, the complement: CHRNA1 is on the minus strand). VCF-style: chr2-174754328-A-G. GRCh37 (hg19) VCF-style: chr2-175619056-A-G.
Other names: c.506T>C, p.Phe169Ser (NM_001039523.3); short protein forms F169S, F144S.
Identifiers: ClinVar variation 2011440 (VCV002011440.4), dbSNP rs1263623441, ClinGen allele CA349341380.
Genomic context (GRCh38, chr2:174,754,328, plus strand): 5'-ATGCTGCAGTTCTGTTCATCAAAGGGAAAGTGGGTGACGATGATCTCACAGTAGCTTTTA[A>G]AGATGGCTGGAGGTGTCCACGTGATGTGGCCAGTGTACTGCAGGAGCACTTTGGTGAACT-3'
Protein context (NP_000070.1, residues 134-154): GHITWTPPAI[Phe144Ser]KSYCEIIVTH

ClinVar aggregate classification (germline): Uncertain significance (1 of 4 stars; one submission).

Conditions:
Lethal multiple pterygium syndrome (LMPS). Identifiers: Orphanet 33108, MedGen C1854678, MONDO:0009668, OMIM 253290.

Allele frequency attached by ClinVar (database versions not stated): TOPMed below 0.00001; gnomAD 0.00001.
gnomAD v4.1: 1 of 1,614,092 alleles (0.000062%); highest among the groups gnomAD compares: African/African-American, 0.0013%; no homozygotes.

Submission:

Labcorp Genetics (formerly Invitae), Labcorp
Classification: Uncertain significance for Lethal multiple pterygium syndrome. Last evaluated: 2022-06-27. Review status: criteria provided, single submitter. Criteria: Invitae Variant Classification Sherloc (09022015). Collection method: clinical testing. Allele origin: germline.
Comment: This sequence change replaces phenylalanine, which is neutral and non-polar, with serine, which is neutral and polar, at codon 144 of the CHRNA1 protein (p.Phe144Ser). This variant is not present in population databases (gnomAD no frequency). This variant has not been reported in the literature in individuals affected with CHRNA1-related conditions. Advanced modeling of protein sequence and biophysical properties (such as structural, functional, and spatial information, amino acid conservation, physicochemical variation, residue mobility, and thermodynamic stability) performed at Invitae indicates that this missense variant is expected to disrupt CHRNA1 protein function. In summary, the available evidence is currently insufficient to determine the role of this variant in disease. Therefore, it has been classified as a Variant of Uncertain Significance.